The following is an entry in ClinVar:

ClinVar aggregate classification (germline): Conflicting classifications of pathogenicity. Review status: criteria provided, conflicting classifications (1 of 4 stars). 15 submissions from 15 submitters: Pathogenic (2); Likely pathogenic (4); Uncertain significance (8). 1 of the submissions does not count toward it. Last evaluated 2026-04-29.

Conditions:
COL4A4-related disorder.
Alport syndrome. Also called: Hemorrhagic familial nephritis; Hemorrhagic hereditary nephritis; Congenital hereditary hematuria. Identifiers: Orphanet 63, MedGen C1567741, MONDO:0018965.
Autosomal recessive Alport syndrome (ATS2). Also called: COL4A3-Related Nephropathy; ALPORT SYNDROME 2, AUTOSOMAL RECESSIVE; COL4A4 Alport Syndrome and Thin Basement Membrane Nephropathy; Alport syndrome type 2. Identifiers: Orphanet 63, Orphanet 88919, MedGen C4746745, MONDO:0008762, OMIM 203780.
Hematuria, benign familial, 1 (BFH1). Also called: THIN MEMBRANE NEPHROPATHY. Identifiers: MedGen CN376803, MONDO:0007709, OMIM 141200.
Inborn genetic diseases. Identifiers: MedGen C0950123, MeSH D030342.

Allele frequency attached by ClinVar (database versions not stated): ExAC 0.00007; gnomAD 0.00009 and 0.00010; TOPMed 0.00014; gnomAD exomes 0.00007 and 0.00012; ESP Exome Variant Server 0.00016.
gnomAD v4.1: 117 of 1,614,058 alleles (0.0072%); highest among the groups gnomAD compares: African/African-American, 0.0093%; no homozygotes.

Submissions 1 to 10 of 15:

Institute of Human Genetics, University of Leipzig Medical Center
Classification: Likely pathogenic for Hematuria, benign familial, 1. Last evaluated: 2026-04-29. Review status: criteria provided, single submitter. Criteria: ACMG Guidelines, 2015. Collection method: clinical testing. Allele origin: unknown. Inheritance: Autosomal dominant inheritance. Affected: yes.
Comment: Criteria applied: PS4_SUP,PM1,PM5,PP3

PreventionGenetics, part of Exact Sciences
Classification: Uncertain significance for COL4A4-related condition. Last evaluated: 2026-03-25. Review status: criteria provided, single submitter. Criteria: ACMG Guidelines, 2015. Collection method: clinical testing. Allele origin: germline.
Comment: The COL4A4 c.5045G>A variant is predicted to result in the amino acid substitution p.Arg1682Gln. This variant was reported in the heterozygous state in two individuals with thin basement membrane nephropathy (Rana et al. 2007. PubMed ID: 17216251; Weber et al. 2016. PubMed ID: 26809805). This variant was interpreted as likely pathogenic for autosomal dominant Alport syndrome based on ACMG criteria (Table S1, Furlano et al. 2021. PubMed ID: 33838161). This variant was also reported in the heterozygous state along with a missense variant in COL4A3 in two individuals with Alport syndrome, with a proposed digenic inheritance (Fallerini et al. 2017. PubMed ID: 27859054; Table S3, Bullich et al. 2018. PubMed ID: 29801666). Of note, an affected sibling of the proband also carried the COL4A4 c.5045G>A (p.Arg1682Gln), but did not have the COL4A3 variant. A nephew of the proband, who had proteinuria, was negative for both the COL4A4 c.5045G>A (p.Arg1682Gln) and the COL4A3 variant (Table 1, Fallerini et al. 2017. PubMed ID: 27859054). This variant is reported in 0.20% of alleles in individuals of Ashkenazi Jewish descent in gnomAD, and has conflicting interpretations of pathogenicity in ClinVar ranging from uncertain to pathogenic (Variation ID: 447192). Although we suspect that this variant may be pathogenic, at this time, the clinical significance of this variant is uncertain due to the absence of conclusive functional and genetic evidence.

3billion
Classification: Uncertain significance for Autosomal recessive Alport syndrome. Last evaluated: 2025-12-21. Review status: criteria provided, single submitter. Criteria: ACMG Guidelines, 2015. Collection method: clinical testing. Allele origin: germline. Affected: yes.
Comment: The variant is observed at an extremely low frequency in the gnomAD v4.1.0 dataset (total allele frequency: 0.007%). Predicted Consequence/Location: Missense variant In silico tool predictions suggest damaging effect of the variant on gene or gene product [REVEL: 0.85 (>=0.6, sensitivity 0.68 and specificity 0.92)]. The same nucleotide change resulting in the same amino acid change has been previously reported to be associated with COL4A4-related disorder (ClinVar ID: VCV000447192).A different missense change at the same codon (p.Arg1682Trp) has been reported to be associated with COL4A4-related disorder (ClinVar ID: VCV000552827 /PMID: 21897443). However the evidence of pathogenicity is insufficient at this time. Therefore, this variant is classified as VUS according to the recommendation of ACMG/AMP guideline.

Labcorp Genetics (formerly Invitae), Labcorp
Classification: Pathogenic. Last evaluated: 2025-12-11. Review status: criteria provided, single submitter. Criteria: Invitae Variant Classification Sherloc (09022015). Collection method: clinical testing. Allele origin: germline.
Comment: This sequence change replaces arginine, which is basic and polar, with glutamine, which is neutral and polar, at codon 1682 of the COL4A4 protein (p.Arg1682Gln). This variant is present in population databases (rs368404711, gnomAD 0.2%). This missense change has been observed in individuals with hematuria and thin basement membrane nephropathy (PMID: 17216251, 26809805, 27859054). ClinVar contains an entry for this variant (Variation ID: 447192). Invitae Evidence Modeling of protein sequence and biophysical properties (such as structural, functional, and spatial information, amino acid conservation, physicochemical variation, residue mobility, and thermodynamic stability) has been performed for this missense variant. However, the output from this modeling did not meet the statistical confidence thresholds required to predict the impact of this variant on COL4A4 protein function. This variant disrupts the p.Arg1682 amino acid residue in COL4A4. Other variant(s) that disrupt this residue have been observed in individuals with COL4A4-related conditions (PMID: 21897443), which suggests that this may be a clinically significant amino acid residue. For these reasons, this variant has been classified as Pathogenic.

Victorian Clinical Genetics Services, Murdoch Childrens Research Institute
Classification: Uncertain significance for Alport syndrome. Last evaluated: 2025-08-19. Review status: criteria provided, single submitter. Criteria: ACMG Guidelines, 2015. Collection method: clinical testing. Allele origin: germline. Affected: yes.
Comment: This variant is classified as VUS-3A. Evidence in support of pathogenic classification: Variant is present in gnomAD <0.01 (v4: 117 heterozygote(s), 0 homozygote(s)); Missense variant predicted to be damaging by in silico tool(s) or highly conserved with a major amino acid change. Additional information: Variant is predicted to result in a missense amino acid change from arginine to glutamine; This variant is heterozygous; This gene is associated with both recessive and dominant disease. Alport syndrome typically has biallelic inheritance, although rare cases of monoallelic inheritance have been reported (PMID: 28704582). Thin basement membrane nephropathy (TBMN) and focal segmental glomerulosclerosis (FSGS) are associated with autosomal dominant inheritance (OMIM, PMIDs: 16467446, 17942953); Alternative amino acid change(s) at the same position are present in gnomAD (Highest allele count: v4: 21 heterozygote(s), 0 homozygote(s)); Previous reports of pathogenicity for this variant are conflicting. This variant has been classified as pathogenic/likely pathogenic and as a VUS by clinical laboratories in ClinVar. This variant has also been reported in the literature in individuals with COL4A4-related features, including two instances wherein digenic inheritance was suspected (PMIDs: 27859054, 35759000, 17216251, 38790222, 34993602, 29801666, 36292665, 26809805); No published functional evidence has been identified for this variant; No comparable missense variants have previous evidence for pathogenicity; Variant is located in the annotated carboxy NC domain (PMID: 33854215); Loss of function is a known mechanism of disease for this gene and is associated with Alport syndrome. Dominant negative is a suspected mechanism of disease for this gene (PMIDs: 12028435, 24046192); Inheritance information for this variant is not currently available in this individual.

First Genomix Gene Laboratory, Genetic Diagnostics Department
Classification: Likely pathogenic for Autosomal recessive Alport syndrome. Last evaluated: 2025-08-18. Review status: criteria provided, single submitter. Criteria: ACMG Guidelines, 2015. Collection method: clinical testing. Allele origin: germline. Inheritance: Autosomal recessive inheritance. Affected: no. Observed: 1 variant allele.

Ambry Genetics
Classification: Uncertain significance for Inborn genetic diseases. Last evaluated: 2025-02-26. Review status: criteria provided, single submitter. Criteria: Ambry Variant Classification Scheme 2023. Collection method: clinical testing. Allele origin: germline.

Department of Clinical Genetics, Medical University of Lodz
Classification: Likely pathogenic for Hematuria, benign familial, 1. Last evaluated: 2024-11-12. Review status: criteria provided, single submitter. Criteria: ACMG Guidelines, 2015. Collection method: clinical testing. Allele origin: germline. Inheritance: Autosomal dominant inheritance. Affected: yes. Observed: 3 variant alleles. Clinical features observed: Hematuria (0000790).
Comment: Missense variant identified in a disease-associated gene that is consistent with the observed phenotype.

Blueprint Genetics
Classification: Uncertain significance. Last evaluated: 2024-09-30. Review status: criteria provided, single submitter. Criteria: ACMG Guidelines, 2015. Collection method: clinical testing. Allele origin: germline.

Fulgent Genetics
Classification: Pathogenic for Hematuria, benign familial, 1; Autosomal recessive Alport syndrome. Last evaluated: 2024-03-19. Review status: criteria provided, single submitter. Criteria: ACMG Guidelines, 2015. Collection method: clinical testing. Allele origin: germline.

NM_000092.5(COL4A4):c.5045G>A (p.Arg1682Gln)

Gene: COL4A4 (collagen type IV alpha 4 chain; minus strand). Cytogenetic location: 2q36.3.
Variant type: single nucleotide variant.
Coding change: c.5045G>A on transcript NM_000092.5 (MANE Select); coding-DNA position 5045, G replaced by A.
Protein change: p.Arg1682Gln; replaces arginine 1682 with glutamine.
Molecular consequence: missense variant.
Genome position (GRCh38, 1-based): chr2:227,007,353, C>T on the plus strand (G>A on the coding strand, the complement: COL4A4 is on the minus strand). VCF-style: chr2-227007353-C-T. GRCh37 (hg19) VCF-style: chr2-227872069-C-T.
Other names: short protein forms R1682Q.
Identifiers: ClinVar variation 447192 (VCV000447192.29), dbSNP rs368404711, ClinGen allele CA2143992.